The following is an entry in ClinVar:

ClinVar aggregate classification (germline): Benign (1 of 4 stars; one submission).

Conditions:
Erythrocytosis, familial, 3 (ECYT3). Identifiers: Orphanet 247511, MedGen C1853286, MONDO:0012353, OMIM 609820.

Allele frequency attached by ClinVar (database versions not stated): TOPMed 0.00212; 1000 Genomes Project 30x 0.00234; 1000 Genomes Project 0.00240; gnomAD 0.00277 and 0.00300; gnomAD exomes 0.00368.
gnomAD v4.1: 504 of 166,522 alleles (0.3%); highest among the groups gnomAD compares: South Asian, 0.89%; 4 homozygotes.

Submission:

Illumina Laboratory Services, Illumina
Classification: Benign for Erythrocytosis, familial, 3. Last evaluated: 2018-01-13. Review status: criteria provided, single submitter. Criteria: ICSL Variant Classification Criteria 13 December 2019. Collection method: clinical testing. Allele origin: germline.
Comment: This variant was observed in the ICSL laboratory as part of a predisposition screen in an ostensibly healthy population. It had not been previously curated by ICSL or reported in the Human Gene Mutation Database (HGMD: prior to June 1st, 2018), and was therefore a candidate for classification through an automated scoring system. Utilizing variant allele frequency, disease prevalence and penetrance estimates, and inheritance mode, an automated score was calculated to assess if this variant is too frequent to cause the disease. Based on the score and internal cut-off values, a variant classified as benign is not then subjected to further curation. The score for this variant resulted in a classification of benign for this disease.

NM_022051.3(EGLN1):c.*452A>G

Gene: EGLN1 (egl-9 family hypoxia inducible factor 1; minus strand). Cytogenetic location: 1q42.2.
Variant type: single nucleotide variant.
Coding change: c.*452A>G on transcript NM_022051.3 (MANE Select); 452 bases downstream of the stop codon, A replaced by G.
Molecular consequence: 3 prime UTR variant.
Genome position (GRCh38, 1-based): chr1:231,365,959, T>C on the plus strand (A>G on the coding strand, the complement: EGLN1 is on the minus strand). VCF-style: chr1-231365959-T-C. GRCh37 (hg19) VCF-style: chr1-231501705-T-C.
Other names: c.*513A>G (NM_001377260.1); c.*558A>G (NM_001377261.1).
Identifiers: ClinVar variation 296179 (VCV000296179.5), dbSNP rs186972462, ClinGen allele CA10609466.